The following is an entry in ClinVar:

NM_004608.4(TBX6):c.257A>T (p.His86Leu)

Gene: TBX6 (T-box transcription factor 6; minus strand). Cytogenetic location: 16p11.2.
Variant type: single nucleotide variant.
Coding change: c.257A>T on transcript NM_004608.4 (MANE Select); coding-DNA position 257, A replaced by T.
Protein change: p.His86Leu; replaces histidine 86 with leucine.
Molecular consequence: missense variant.
Genome position (GRCh38, 1-based): chr16:30,090,854, T>A on the plus strand (A>T on the coding strand, the complement: TBX6 is on the minus strand). VCF-style: chr16-30090854-T-A. GRCh37 (hg19) VCF-style: chr16-30102175-T-A.
Other names: short protein forms H86L.
Identifiers: ClinVar variation 4742342 (VCV004742342.1).

ClinVar aggregate classification (germline): Uncertain significance (1 of 4 stars; one submission).

Submission:

Labcorp Genetics (formerly Invitae), Labcorp
Classification: Uncertain significance. Last evaluated: 2025-02-17. Review status: criteria provided, single submitter. Criteria: Invitae Variant Classification Sherloc (09022015). Collection method: clinical testing. Allele origin: germline.
Comment: This sequence change replaces histidine, which is basic and polar, with leucine, which is neutral and non-polar, at codon 86 of the TBX6 protein (p.His86Leu). This variant is present in population databases (no rsID available, gnomAD 0.003%). This variant has not been reported in the literature in individuals affected with TBX6-related conditions. Invitae Evidence Modeling of protein sequence and biophysical properties (such as structural, functional, and spatial information, amino acid conservation, physicochemical variation, residue mobility, and thermodynamic stability) indicates that this missense variant is not expected to disrupt TBX6 protein function with a negative predictive value of 80%. In summary, the available evidence is currently insufficient to determine the role of this variant in disease. Therefore, it has been classified as a Variant of Uncertain Significance.